The following is an entry in ClinVar:

ClinVar aggregate classification (germline): Pathogenic (1 of 4 stars; one submission).

Conditions:
Osteogenesis imperfecta type I (OI1). Also called: Lobstein's Disease; Lobstein disease; Classic Non-deforming Osteogenesis Imperfecta with Blue Sclerae; OI, TYPE I; OSTEOGENESIS IMPERFECTA TARDA; OSTEOGENESIS IMPERFECTA WITH BLUE SCLERAE. Identifiers: Orphanet 216796, Orphanet 666, MedGen C0023931, MONDO:0008146, OMIM 166200. Disease mechanism: loss of function.

Submission:

Labcorp Genetics (formerly Invitae), Labcorp
Classification: Pathogenic for Osteogenesis imperfecta type I. Last evaluated: 2024-08-15. Review status: criteria provided, single submitter. Criteria: Invitae Variant Classification Sherloc (09022015). Collection method: clinical testing. Allele origin: germline.
Comment: This sequence change affects an acceptor splice site in intron 1 of the COL1A1 gene. It is expected to disrupt RNA splicing. Variants that disrupt the donor or acceptor splice site typically lead to a loss of protein function (PMID: 16199547), and loss-of-function variants in COL1A1 are known to be pathogenic (PMID: 7942841, 9295084, 9443882). This variant is not present in population databases (gnomAD no frequency). Disruption of this splice site has been observed in individuals with osteogenesis imperfecta (PMID: 30684648; Internal data). Algorithms developed to predict the effect of sequence changes on RNA splicing suggest that this variant may disrupt the consensus splice site. For these reasons, this variant has been classified as Pathogenic.

Literature cited by the submitters: PubMed 16199547; PubMed 7942841; PubMed 9295084; PubMed 9443882; PubMed 30684648.

NM_000088.4(COL1A1):c.104-2A>C

Gene: COL1A1 (collagen type I alpha 1 chain; minus strand). Cytogenetic location: 17q21.33.
Variant type: single nucleotide variant.
Coding change: c.104-2A>C on transcript NM_000088.4 (MANE Select); the canonical splice acceptor site of the intron before coding-DNA position 104, A replaced by C.
Molecular consequence: splice acceptor variant.
Genome position (GRCh38, 1-based): chr17:50,199,949, T>G on the plus strand (A>C on the coding strand, the complement: COL1A1 is on the minus strand). VCF-style: chr17-50199949-T-G. GRCh37 (hg19) VCF-style: chr17-48277310-T-G.
Identifiers: ClinVar variation 3662557 (VCV003662557.2).